The following is an entry in ClinVar:

ClinVar aggregate classification (germline): Conflicting classifications of pathogenicity. Review status: criteria provided, conflicting classifications (1 of 4 stars). 10 submissions from 10 submitters: Uncertain significance (4); Likely benign (3). 3 of the submissions do not count toward it. Last evaluated 2026-01-18.

Conditions:
JAK1-related disorder. Also called: JAK1-related condition.
Autoinflammation, immune dysregulation, and eosinophilia. Also called: ATOPIC DERMATITIS, ENTERITIS, COLITIS, AND EOSINOPHILIA. Identifiers: MedGen C5436572, MONDO:0033558, OMIM 618999.

Allele frequency attached by ClinVar (database versions not stated): gnomAD exomes 0.00081; ExAC 0.00088; gnomAD 0.00088 and 0.00093; TOPMed 0.00092; 1000 Genomes Project 0.00100; 1000 Genomes Project 30x 0.00125; ESP Exome Variant Server 0.00164.
gnomAD v4.1: 2,003 of 1,614,062 alleles (0.12%); highest among the groups gnomAD compares: Non-Finnish European, 0.15%; 4 homozygotes.

Submissions (10):

Labcorp Genetics (formerly Invitae), Labcorp
Classification: Likely benign. Last evaluated: 2026-01-18. Review status: criteria provided, single submitter. Criteria: Invitae Variant Classification Sherloc (09022015). Collection method: clinical testing. Allele origin: germline.

PreventionGenetics, part of Exact Sciences
Classification: Likely benign for JAK1-related condition. Last evaluated: 2024-12-12. Review status: criteria provided, single submitter. Criteria: ACMG Guidelines, 2015. Collection method: clinical testing. Allele origin: germline.
Comment: This variant is classified as likely benign based on ACMG/AMP sequence variant interpretation guidelines (Richards et al. 2015 PMID: 25741868, with internal and published modifications).

Blueprint Genetics
Classification: Likely benign. Last evaluated: 2024-11-19. Review status: criteria provided, single submitter. Criteria: ACMG Guidelines, 2015. Collection method: clinical testing. Allele origin: germline.

Mayo Clinic Laboratories, Mayo Clinic
Classification: Uncertain significance. Last evaluated: 2024-09-03. Review status: criteria provided, single submitter. Criteria: ACMG Guidelines, 2015. Collection method: clinical testing. Allele origin: germline. Observed: 3 variant alleles.
Comment: BS2, PP2

CeGaT Center for Human Genetics Tuebingen
Classification: Uncertain significance. Last evaluated: 2024-01-01. Review status: criteria provided, single submitter. Criteria: CeGaT Center For Human Genetics Tuebingen Variant Classification Criteria Version 2. Collection method: clinical testing. Allele origin: germline. Affected: yes. Observed: 1 variant allele.

Center for Genomics, Ann and Robert H. Lurie Children's Hospital of Chicago
Classification: Uncertain significance for Autoinflammation, immune dysregulation, and eosinophilia. Last evaluated: 2021-08-31. Review status: criteria provided, single submitter. Criteria: ACMG Guidelines, 2015. Collection method: clinical testing. Allele origin: germline.
Comment: JAK1 NM_002227.4 exon 14 p.Val651Met (c.1951G>A): This variant has not been reported in the literature but is present in 0.1% (34/30580) of South Asian alleles, including 1 homozygote, in the Genome Aggregation Database. Evolutionary conservation and computational predictive tools suggest that this variant may impact the protein. In summary, data on this variant is insufficient for disease classification. Therefore, the clinical significance of this variant is uncertain.

Breakthrough Genomics
Classification: Uncertain significance. Review status: criteria provided, single submitter. Criteria: ACMG Guidelines, 2015. Collection method: not provided. Allele origin: germline. Inheritance: Autosomal dominant inheritance. Affected: yes.

ITMI
No classification provided. Condition: AllHighlyPenetrant. Last evaluated: 2013-09-19. Review status: no classification provided. Collection method: reference population. Allele origin: germline. Not counted in ClinVar's aggregate classification.
Comment: Please see associated publication for description of ethnicities

Clinical Genetics DNA and cytogenetics Diagnostics Lab, Erasmus MC, Erasmus Medical Center
Classification: Likely benign. Review status: no assertion criteria provided. Collection method: clinical testing. Allele origin: germline. Affected: yes. Study: VKGL Data-share Consensus. Not counted in ClinVar's aggregate classification.

Diagnostic Laboratory, Department of Genetics, University Medical Center Groningen
Classification: Likely benign. Review status: no assertion criteria provided. Collection method: clinical testing. Allele origin: germline. Affected: yes. Study: VKGL Data-share Consensus. Not counted in ClinVar's aggregate classification.

Literature cited by the submitters: PubMed 21537335 (cited by Mayo Clinic Laboratories, Mayo Clinic); PubMed 33489052 (cited by Mayo Clinic Laboratories, Mayo Clinic); PubMed 37287455 (cited by Mayo Clinic Laboratories, Mayo Clinic); PubMed 24728327 (cited by ITMI).

NM_002227.4(JAK1):c.1951G>A (p.Val651Met)

Genes: JAK1 (Janus kinase 1; minus strand), LOC126805749 (BRD4-independent group 4 enhancer GRCh37_chr1:65312286-65313485; plus strand). Cytogenetic location: 1p31.3.
Variant type: single nucleotide variant.
Coding change: c.1951G>A on transcript NM_002227.4 (MANE Select); coding-DNA position 1951, G replaced by A.
Protein change: p.Val651Met; replaces valine 651 with methionine.
Molecular consequence: missense variant.
Genome position (GRCh38, 1-based): chr1:64,846,685, C>T on the plus strand (G>A on the coding strand, the complement: JAK1 is on the minus strand). VCF-style: chr1-64846685-C-T. GRCh37 (hg19) VCF-style: chr1-65312368-C-T.
Other names: p.Val651Met; c.1951G>A, p.Val651Met (NM_001320923.2, NM_001321852.2, NM_001321853.2 and 3 more transcripts); c.1948G>A, p.Val650Met (NM_001321857.2); c.1951G>A (NM_002227.3); short protein forms V651M, V650M.
Identifiers: ClinVar variation 134542 (VCV000134542.35), dbSNP rs149968614, ClinGen allele CA160140.
Genomic context (GRCh38, chr1:64,846,685, plus strand): 5'-CCCTTTGAAAGAGAACACACTTACTCTCCACGTCGCGGACACAGACGCCATAGAGGTACA[C>T]GATGTGTTTGTGGGAGACCTGTCTCATCATGCTGGCTGCCTCGAAGAAGGCCTGTGGGCG-3'
Protein context (NP_002218.2, residues 641-661): MMRQVSHKHI[Val651Met]YLYGVCVRDV